The following is an entry in ClinVar:

NM_001382391.1(CSPP1):c.1541C>A (p.Thr514Asn)

Gene: CSPP1 (centrosome and spindle pole associated protein 1; plus strand). Cytogenetic location: 8q13.2.
Variant type: single nucleotide variant.
Coding change: c.1541C>A on transcript NM_001382391.1 (MANE Select); coding-DNA position 1541, C replaced by A.
Protein change: p.Thr514Asn; replaces threonine 514 with asparagine.
Molecular consequence: missense variant.
Genome position (GRCh38, 1-based): chr8:67,118,292, C>A. VCF-style: chr8-67118292-C-A. GRCh37 (hg19) VCF-style: chr8-68030527-C-A.
Other names: c.644C>A, p.Thr215Asn (NM_001291339.2); c.1460C>A, p.Thr487Asn (NM_001363131.2); c.1499C>A, p.Thr500Asn (NM_001363132.2); c.1418C>A, p.Thr473Asn (NM_001363133.2); c.1607C>A, p.Thr536Asn (NM_001364869.1); c.1427C>A, p.Thr476Asn (NM_001364870.1); c.1526C>A, p.Thr509Asn (NM_024790.7); short protein forms T500N, T514N, T215N, T509N, T473N, T476N, T536N, T487N.
Identifiers: ClinVar variation 2139562 (VCV002139562.3), dbSNP rs748994377, ClinGen allele CA4770571.

ClinVar aggregate classification (germline): Uncertain significance. Review status: criteria provided, multiple submitters, no conflicts (2 of 4 stars). 2 submissions from 2 submitters: Uncertain significance (2). Last evaluated 2022-08-09.

Conditions:
Joubert syndrome 21 (JBTS21). Identifiers: MedGen C3810212, MONDO:0014288, OMIM 615636.

Allele frequency attached by ClinVar (database versions not stated): ExAC 0.00001; gnomAD 0.00001; gnomAD exomes 0.00001; TOPMed 0.00001.
gnomAD v4.1: 17 of 1,613,156 alleles (0.0011%); highest among the groups gnomAD compares: Non-Finnish European, 0.0013%; no homozygotes.

Submissions (2):

Labcorp Genetics (formerly Invitae), Labcorp
Classification: Uncertain significance for Joubert syndrome 21. Last evaluated: 2022-08-09. Review status: criteria provided, single submitter. Criteria: Invitae Variant Classification Sherloc (09022015). Collection method: clinical testing. Allele origin: germline.
Comment: This variant has not been reported in the literature in individuals affected with CSPP1-related conditions. In summary, the available evidence is currently insufficient to determine the role of this variant in disease. Therefore, it has been classified as a Variant of Uncertain Significance. Algorithms developed to predict the effect of missense changes on protein structure and function output the following: SIFT: "Tolerated"; PolyPhen-2: "Benign"; Align-GVGD: "Class C0". The asparagine amino acid residue is found in multiple mammalian species, which suggests that this missense change does not adversely affect protein function. This variant is present in population databases (rs748994377, gnomAD 0.004%). This sequence change replaces threonine, which is neutral and polar, with asparagine, which is neutral and polar, at codon 509 of the CSPP1 protein (p.Thr509Asn).

Blueprint Genetics
Classification: Uncertain significance. Last evaluated: 2020-08-14. Review status: criteria provided, single submitter. Criteria: ACMG Guidelines, 2015. Collection method: clinical testing. Allele origin: germline.